The following is an entry in ClinVar:

NM_001943.5(DSG2):c.1006C>T (p.Leu336Phe)

Gene: DSG2 (desmoglein 2; plus strand). Cytogenetic location: 18q12.1.
Variant type: single nucleotide variant.
Coding change: c.1006C>T on transcript NM_001943.5 (MANE Select); coding-DNA position 1006, C replaced by T.
Protein change: p.Leu336Phe; replaces leucine 336 with phenylalanine.
Molecular consequence: missense variant.
Genome position (GRCh38, 1-based): chr18:31,524,880, C>T. VCF-style: chr18-31524880-C-T. GRCh37 (hg19) VCF-style: chr18-29104843-C-T.
Other names: c.1006C>T (LRG_397t1); short protein forms L336F.
Identifiers: ClinVar variation 410366 (VCV000410366.11), dbSNP rs1060502864, ClinGen allele CA16616062.

ClinVar aggregate classification (germline): Uncertain significance. Review status: criteria provided, multiple submitters, no conflicts (2 of 4 stars). 3 submissions from 3 submitters: Uncertain significance (3). Last evaluated 2024-03-06.

Conditions:
Arrhythmogenic right ventricular cardiomyopathy (ARVD). Also called: Cardiomyopathy, ARVC; Arrhythmogenic right ventricular dysplasia; Arrhythmogenic cardiomyopathy; Arrhythmogenic Right Ventricular Cardiomyopathy (ARVC). Identifiers: Orphanet 247, MedGen C0349788, MeSH D019571, MONDO:0016587. Disease mechanism: loss of function. Inheritance: Various modes of inheritance.
Cardiomyopathy (CMYO). Also called: Cardiomyopathies. Identifiers: Orphanet 167848, MedGen C0878544, MONDO:0004994, HP:0001638. Inheritance: Various modes of inheritance.
Arrhythmogenic right ventricular dysplasia 10. Also called: Arrhythmogenic right ventricular dysplasia/cardiomyopathy, type 10; Arrhythmogenic Right Ventricular Dysplasia/Cardiomyopathy10; ARRHYTHMOGENIC RIGHT VENTRICULAR DYSPLASIA, FAMILIAL, 10. Identifiers: MedGen C1857777, MONDO:0012434, OMIM 610193.

Allele frequency attached by ClinVar (database versions not stated): gnomAD exomes below 0.00001.

Submissions (3):

Color Diagnostics, LLC DBA Color Health
Classification: Uncertain significance for Cardiomyopathy. Last evaluated: 2024-03-06. Review status: criteria provided, single submitter. Criteria: ACMG Guidelines, 2015. Collection method: clinical testing. Allele origin: germline.
Comment: This missense variant replaces leucine with phenylalanine at codon 336 of the DSG2 protein. Computational prediction suggests that this variant may not impact protein structure and function (internally defined REVEL score threshold <= 0.5, PMID: 27666373). To our knowledge, functional studies have not been reported for this variant. This variant has not been reported in individuals affected with cardiovascular disorders in the literature. This variant has not been identified in the general population by the Genome Aggregation Database (gnomAD). The available evidence is insufficient to determine the role of this variant in disease conclusively. Therefore, this variant is classified as a Variant of Uncertain Significance.

All of Us Research Program, National Institutes of Health
Classification: Uncertain significance for Arrhythmogenic right ventricular cardiomyopathy. Last evaluated: 2023-10-27. Review status: criteria provided, single submitter. Criteria: ACMG Guidelines, 2015. Collection method: clinical testing. Allele origin: germline. Inheritance: Autosomal dominant inheritance. Observed: 1 variant allele, 1 heterozygote.
Comment: This missense variant replaces leucine with phenylalanine at codon 336 of the DSG2 protein. Computational prediction suggests that this variant may not impact protein structure and function (internally defined REVEL score threshold <= 0.5, PMID: 27666373). To our knowledge, functional studies have not been reported for this variant. This variant has not been reported in individuals affected with cardiovascular disorders in the literature. This variant has not been identified in the general population by the Genome Aggregation Database (gnomAD). The available evidence is insufficient to determine the role of this variant in disease conclusively. Therefore, this variant is classified as a Variant of Uncertain Significance.

This study involves interpretation of variants in research participants for the purpose of population health screening. Participant phenotype was not available at the time of variant classification. Additional details can be found in publication PMID: 35346344, PMCID: PMC8962531

Labcorp Genetics (formerly Invitae), Labcorp
Classification: Uncertain significance for Arrhythmogenic right ventricular dysplasia 10. Last evaluated: 2021-08-31. Review status: criteria provided, single submitter. Criteria: Invitae Variant Classification Sherloc (09022015). Collection method: clinical testing. Allele origin: germline.
Comment: This sequence change replaces leucine with phenylalanine at codon 336 of the DSG2 protein (p.Leu336Phe). The leucine residue is highly conserved and there is a small physicochemical difference between leucine and phenylalanine. This variant is not present in population databases (ExAC no frequency). This variant has not been reported in the literature in individuals affected with DSG2-related conditions. Algorithms developed to predict the effect of missense changes on protein structure and function are either unavailable or do not agree on the potential impact of this missense change (SIFT: "Deleterious"; PolyPhen-2: "Probably Damaging"; Align-GVGD: "Class C15"). In summary, the available evidence is currently insufficient to determine the role of this variant in disease. Therefore, it has been classified as a Variant of Uncertain Significance.